The following is an entry in ClinVar:

ClinVar aggregate classification (germline): Uncertain significance (1 of 4 stars; one submission).

Allele frequency attached by ClinVar (database versions not stated): TOPMed 0.00001; gnomAD 0.00002.

Submission:

Labcorp Genetics (formerly Invitae), Labcorp
Classification: Uncertain significance. Last evaluated: 2025-09-29. Review status: criteria provided, single submitter. Criteria: Invitae Variant Classification Sherloc (09022015). Collection method: clinical testing. Allele origin: germline.
Comment: This sequence change replaces proline, which is neutral and non-polar, with leucine, which is neutral and non-polar, at codon 503 of the RNF213 protein (p.Pro503Leu). This variant is present in population databases (no rsID available, gnomAD 0.006%). This variant has not been reported in the literature in individuals affected with RNF213-related conditions. ClinVar contains an entry for this variant (Variation ID: 2715861). Invitae Evidence Modeling of protein sequence and biophysical properties (such as structural, functional, and spatial information, amino acid conservation, physicochemical variation, residue mobility, and thermodynamic stability) indicates that this missense variant is not expected to disrupt RNF213 protein function with a negative predictive value of 95%. In summary, the available evidence is currently insufficient to determine the role of this variant in disease. Therefore, it has been classified as a Variant of Uncertain Significance.

NM_001256071.3(RNF213):c.1508C>T (p.Pro503Leu)

Gene: RNF213 (ring finger protein 213; plus strand). Cytogenetic location: 17q25.3.
Variant type: single nucleotide variant.
Coding change: c.1508C>T on transcript NM_001256071.3 (MANE Select); coding-DNA position 1508, C replaced by T.
Protein change: p.Pro503Leu; replaces proline 503 with leucine.
Molecular consequence: missense variant.
Genome position (GRCh38, 1-based): chr17:80,294,756, C>T. VCF-style: chr17-80294756-C-T. GRCh37 (hg19) VCF-style: chr17-78268555-C-T.
Other names: c.1655C>T, p.Pro552Leu (NM_001410195.1, NM_020914.5); c.1508C>T, p.Pro503Leu (NM_020954.4); short protein forms P552L, P503L.
Identifiers: ClinVar variation 2715861 (VCV002715861.3), dbSNP rs1011062277, ClinGen allele CA294898513.